The following is an entry in ClinVar:

NM_005006.7(NDUFS1):c.*574T>G

Gene: NDUFS1 (NADH:ubiquinone oxidoreductase core subunit S1; minus strand). Cytogenetic location: 2q33.3.
Variant type: single nucleotide variant.
Coding change: c.*574T>G on transcript NM_005006.7 (MANE Select); 574 bases downstream of the stop codon, T replaced by G.
Molecular consequence: 3 prime UTR variant.
Genome position (GRCh38, 1-based): chr2:206,123,611, A>C on the plus strand (T>G on the coding strand, the complement: NDUFS1 is on the minus strand). VCF-style: chr2-206123611-A-C. GRCh37 (hg19) VCF-style: chr2-206988335-A-C.
Other names: c.*574T>G (NM_001199981.2, NM_001199982.2, NM_001199983.2 and 1 more transcripts).
Identifiers: ClinVar variation 895906 (VCV000895906.5), dbSNP rs73065790, ClinGen allele CA63645776.

ClinVar aggregate classification (germline): Benign/Likely benign. Review status: criteria provided, multiple submitters, no conflicts (2 of 4 stars). 3 submissions from 2 submitters: Benign (1); Likely benign (2). Last evaluated 2021-05-24.

Conditions:
Mitochondrial complex I deficiency, nuclear type 1. Also called: NADH-COENZYME Q REDUCTASE DEFICIENCY; MITOCHONDRIAL NADH DEHYDROGENASE COMPONENT OF COMPLEX I, DEFICIENCY OF. Identifiers: MedGen C6022305, MONDO:0100224, OMIM 252010.
Leigh syndrome (NULS). Also called: Leigh Disease; Subacute necrotizing encephalopathy; Necrotizing encephalopathy infantile subacute of Leigh; LEIGH SYNDROME, NUCLEAR; Leigh's syndrome; Leigh's necrotizing encephalopathy. Identifiers: Orphanet 506, MedGen C2931891, MONDO:0009723, OMIM 256000.

Allele frequency attached by ClinVar (database versions not stated): gnomAD 0.00946 and 0.01005; TOPMed 0.00977; 1000 Genomes Project 0.01158; 1000 Genomes Project 30x 0.01312.

Submissions (3):

GeneDx
Classification: Likely benign. Last evaluated: 2021-05-24. Review status: criteria provided, single submitter. Criteria: GeneDx Variant Classification Process June 2021. Collection method: clinical testing. Allele origin: germline. Affected: yes.

Illumina Laboratory Services, Illumina
Classification: Likely benign for Mitochondrial complex I deficiency, nuclear type 1. Last evaluated: 2018-01-13. Review status: criteria provided, single submitter. Criteria: ICSL Variant Classification Criteria 13 December 2019. Collection method: clinical testing. Allele origin: germline.
Comment: This variant was observed in the ICSL laboratory as part of a predisposition screen in an ostensibly healthy population. It had not been previously curated by ICSL or reported in the Human Gene Mutation Database (HGMD: prior to June 1st, 2018), and was therefore a candidate for classification through an automated scoring system. Utilizing variant allele frequency, disease prevalence and penetrance estimates, and inheritance mode, an automated score was calculated to assess if this variant is too frequent to cause the disease. Based on the score and internal cut-off values, a variant classified as likely benign is not then subjected to further curation. The score for this variant resulted in a classification of likely benign for this disease.

Illumina Laboratory Services, Illumina
Classification: Benign for Leigh syndrome. Last evaluated: 2018-01-13. Review status: criteria provided, single submitter. Criteria: ICSL Variant Classification Criteria 13 December 2019. Collection method: clinical testing. Allele origin: germline.
Comment: This variant was observed in the ICSL laboratory as part of a predisposition screen in an ostensibly healthy population. It had not been previously curated by ICSL or reported in the Human Gene Mutation Database (HGMD: prior to June 1st, 2018), and was therefore a candidate for classification through an automated scoring system. Utilizing variant allele frequency, disease prevalence and penetrance estimates, and inheritance mode, an automated score was calculated to assess if this variant is too frequent to cause the disease. Based on the score and internal cut-off values, a variant classified as benign is not then subjected to further curation. The score for this variant resulted in a classification of benign for this disease.